The following is an entry in ClinVar:

NM_015311.3(OBSL1):c.1288A>G (p.Ile430Val)

Gene: OBSL1 (obscurin like cytoskeletal adaptor 1; minus strand). Cytogenetic location: 2q35.
Variant type: single nucleotide variant.
Coding change: c.1288A>G on transcript NM_015311.3 (MANE Select); coding-DNA position 1288, A replaced by G.
Protein change: p.Ile430Val; replaces isoleucine 430 with valine.
Molecular consequence: missense variant.
Genome position (GRCh38, 1-based): chr2:219,567,964, T>C on the plus strand (A>G on the coding strand, the complement: OBSL1 is on the minus strand). VCF-style: chr2-219567964-T-C. GRCh37 (hg19) VCF-style: chr2-220432686-T-C.
Other names: c.1288A>G, p.Ile430Val (NM_001173408.2, NM_001173431.2); short protein forms I430V.
Identifiers: ClinVar variation 2787650 (VCV002787650.3), dbSNP rs2469066909, ClinGen allele CA350759917.

ClinVar aggregate classification (germline): Uncertain significance (1 of 4 stars; one submission).

Allele frequency attached by ClinVar (database versions not stated): gnomAD exomes below 0.00001.
gnomAD v4.1: 1 of 1,613,708 alleles (0.000062%); highest among the groups gnomAD compares: Non-Finnish European, 0.000085%; no homozygotes.

Submission:

Labcorp Genetics (formerly Invitae), Labcorp
Classification: Uncertain significance. Last evaluated: 2022-11-17. Review status: criteria provided, single submitter. Criteria: Invitae Variant Classification Sherloc (09022015). Collection method: clinical testing. Allele origin: germline.
Comment: Algorithms developed to predict the effect of missense changes on protein structure and function are either unavailable or do not agree on the potential impact of this missense change (SIFT: "Deleterious"; PolyPhen-2: "Probably Damaging"; Align-GVGD: "Class C0"). In summary, the available evidence is currently insufficient to determine the role of this variant in disease. Therefore, it has been classified as a Variant of Uncertain Significance. This variant has not been reported in the literature in individuals affected with OBSL1-related conditions. This sequence change replaces isoleucine, which is neutral and non-polar, with valine, which is neutral and non-polar, at codon 430 of the OBSL1 protein (p.Ile430Val). This variant is not present in population databases (gnomAD no frequency).